The following is an entry in ClinVar:

ClinVar aggregate classification (germline): Uncertain significance. Review status: criteria provided, multiple submitters, no conflicts (2 of 4 stars). 3 submissions from 3 submitters: Uncertain significance (3). Last evaluated 2020-02-24.

Conditions:
Spinocerebellar ataxia type 19/22 (SCA19). Also called: SPINOCEREBELLAR ATAXIA 19; SPINOCEREBELLAR ATAXIA 22. Identifiers: Orphanet 98772, MedGen C1846367, MONDO:0011819, OMIM 607346.

Allele frequency attached by ClinVar (database versions not stated): gnomAD exomes below 0.00001.
gnomAD v4.1: 2 of 1,613,746 alleles (0.00012%); highest among the groups gnomAD compares: Non-Finnish European, 0.00017%; no homozygotes.

Submissions (3):

Labcorp Genetics (formerly Invitae), Labcorp
Classification: Uncertain significance for Spinocerebellar ataxia type 19/22. Last evaluated: 2020-02-24. Review status: criteria provided, single submitter. Criteria: Invitae Variant Classification Sherloc (09022015). Collection method: clinical testing. Allele origin: germline.
Comment: This sequence change replaces proline with serine at codon 31 of the KCND3 protein (p.Pro31Ser). The proline residue is highly conserved and there is a moderate physicochemical difference between proline and serine. This variant is not present in population databases (ExAC no frequency). This variant has not been reported in the literature in individuals with KCND3-related conditions. ClinVar contains an entry for this variant (Variation ID: 452259). Algorithms developed to predict the effect of missense changes on protein structure and function are either unavailable or do not agree on the potential impact of this missense change (SIFT: "Deleterious"; PolyPhen-2: "Benign"; Align-GVGD: "Class C65"). In summary, the available evidence is currently insufficient to determine the role of this variant in disease. Therefore, it has been classified as a Variant of Uncertain Significance.

GeneDx
Classification: Uncertain significance. Last evaluated: 2018-05-25. Review status: criteria provided, single submitter. Criteria: GeneDx Variant Classification (06012015). Collection method: clinical testing. Allele origin: germline. Affected: yes.
Comment: The P31S variant in the KCND3 gene has not been reported previously as a pathogenic variant, nor as a benign variant, to our knowledge. The P31S variant is not observed in large population cohorts (Lek et al., 2016). The P31S variant is a non-conservative amino acid substitution, which is likely to impact secondary protein structure as these residues differ in polarity, charge, size and/or other properties. This substitution occurs at a position that is conserved across species. In silico analysis predicts this variant is probably damaging to the protein structure/function. We interpret P31S as a variant of uncertain significance.

Athena Diagnostics
Classification: Uncertain significance. Last evaluated: 2017-09-30. Review status: criteria provided, single submitter. Criteria: Athena Diagnostics Criteria. Collection method: clinical testing. Allele origin: germline.

NM_001378969.1(KCND3):c.91C>T (p.Pro31Ser)

Gene: KCND3 (potassium voltage-gated channel subfamily D member 3; minus strand). Cytogenetic location: 1p13.2.
Variant type: single nucleotide variant.
Coding change: c.91C>T on transcript NM_001378969.1 (MANE Select); coding-DNA position 91, C replaced by T.
Protein change: p.Pro31Ser; replaces proline 31 with serine.
Molecular consequence: missense variant.
Genome position (GRCh38, 1-based): chr1:111,982,636, G>A on the plus strand (C>T on the coding strand, the complement: KCND3 is on the minus strand). VCF-style: chr1-111982636-G-A. GRCh37 (hg19) VCF-style: chr1-112525258-G-A.
Other names: c.91C>T, p.Pro31Ser (NM_001378970.1, NM_004980.5, NM_172198.3); short protein forms P31S.
Identifiers: ClinVar variation 452259 (VCV000452259.10), dbSNP rs1403997481, ClinGen allele CA341822931.